The following is an entry in ClinVar:

NM_001999.4(FBN2):c.5093C>T (p.Ala1698Val)

Gene: FBN2 (fibrillin 2; minus strand). Cytogenetic location: 5q23.3.
Variant type: single nucleotide variant.
Coding change: c.5093C>T on transcript NM_001999.4 (MANE Select); coding-DNA position 5093, C replaced by T.
Protein change: p.Ala1698Val; replaces alanine 1698 with valine.
Molecular consequence: missense variant.
Genome position (GRCh38, 1-based): chr5:128,310,090, G>A on the plus strand (C>T on the coding strand, the complement: FBN2 is on the minus strand). VCF-style: chr5-128310090-G-A. GRCh37 (hg19) VCF-style: chr5-127645782-G-A.
Other names: short protein forms A1698V.
Identifiers: ClinVar variation 2009800 (VCV002009800.4), dbSNP rs2479735872, ClinGen allele CA360744612.

ClinVar aggregate classification (germline): Uncertain significance (1 of 4 stars; one submission).

Conditions:
Congenital contractural arachnodactyly (CCA). Also called: Beals-Hecht syndrome; BEALS SYNDROME; Arthrogryposis, distal, type 9. Identifiers: Orphanet 115, MedGen C0220668, MONDO:0007363, OMIM 121050.

Submission:

Labcorp Genetics (formerly Invitae), Labcorp
Classification: Uncertain significance for Congenital contractural arachnodactyly. Last evaluated: 2022-08-21. Review status: criteria provided, single submitter. Criteria: Invitae Variant Classification Sherloc (09022015). Collection method: clinical testing. Allele origin: germline.
Comment: This variant has not been reported in the literature in individuals affected with FBN2-related conditions. Advanced modeling of protein sequence and biophysical properties (such as structural, functional, and spatial information, amino acid conservation, physicochemical variation, residue mobility, and thermodynamic stability) performed at Invitae indicates that this missense variant is not expected to disrupt FBN2 protein function. In summary, the available evidence is currently insufficient to determine the role of this variant in disease. Therefore, it has been classified as a Variant of Uncertain Significance. This sequence change replaces alanine, which is neutral and non-polar, with valine, which is neutral and non-polar, at codon 1698 of the FBN2 protein (p.Ala1698Val). This variant is not present in population databases (gnomAD no frequency).